The following is an entry in ClinVar:

ClinVar aggregate classification (germline): Conflicting classifications of pathogenicity. Review status: criteria provided, conflicting classifications (1 of 4 stars). 6 submissions from 6 submitters: Uncertain significance (1); Benign (3); Likely benign (2). Last evaluated 2026-01-26.

Conditions:
Autosomal recessive nonsyndromic hearing loss 3. Also called: NEUROSENSORY NONSYNDROMIC RECESSIVE DEAFNESS 3. Identifiers: Orphanet 90636, MedGen C1838263, MONDO:0010860, OMIM 600316.

Allele frequency attached by ClinVar (database versions not stated): gnomAD exomes 0.00030 and 0.00073; ExAC 0.00087; ESP Exome Variant Server 0.00271; gnomAD 0.00303 and 0.00324; TOPMed 0.00313; 1000 Genomes Project 30x 0.00406; 1000 Genomes Project 0.00419.
gnomAD v4.1: 929 of 1,613,678 alleles (0.058%); highest among the groups gnomAD compares: African/African-American, 1.1%; 6 homozygotes.

Submissions (6):

Labcorp Genetics (formerly Invitae), Labcorp
Classification: Benign. Last evaluated: 2026-01-26. Review status: criteria provided, single submitter. Criteria: Invitae Variant Classification Sherloc (09022015). Collection method: clinical testing. Allele origin: germline.

Blueprint Genetics
Classification: Likely benign. Last evaluated: 2024-11-13. Review status: criteria provided, single submitter. Criteria: ACMG Guidelines, 2015. Collection method: clinical testing. Allele origin: germline.

GeneDx
Classification: Likely benign. Last evaluated: 2020-12-02. Review status: criteria provided, single submitter. Criteria: GeneDx Variant Classification Process June 2021. Collection method: clinical testing. Allele origin: germline. Affected: yes.

Illumina Laboratory Services, Illumina
Classification: Uncertain significance for Autosomal recessive nonsyndromic hearing loss 3. Last evaluated: 2018-01-13. Review status: criteria provided, single submitter. Criteria: ICSL Variant Classification Criteria 13 December 2019. Collection method: clinical testing. Allele origin: germline.

Laboratory for Molecular Medicine, Mass General Brigham Personalized Medicine
Classification: Benign. Last evaluated: 2012-04-30. Review status: criteria provided, single submitter. Criteria: LMM Criteria. Collection method: clinical testing. Allele origin: germline. Observed: 3 variant alleles.
Comment: Gly386Gly in Exon 02 of MYO15A: This variant is not expected to have clinical si gnificance because it does not alter an amino acid residue, is not located withi n the splice consensus sequence, and has been identified in 0.9% (28/3220) of Af rican American chromosomes from a broad population by the NHLBI Exome Sequencing Project.

PreventionGenetics, part of Exact Sciences
Classification: Benign. Review status: criteria provided, single submitter. Criteria: ACMG Guidelines, 2015. Collection method: clinical testing. Allele origin: germline.

NM_016239.4(MYO15A):c.1158C>T (p.Gly386=)

Gene: MYO15A (myosin XVA; plus strand). Cytogenetic location: 17p11.2.
Variant type: single nucleotide variant.
Coding change: c.1158C>T on transcript NM_016239.4 (MANE Select); coding-DNA position 1158, C replaced by T.
Protein change: p.Gly386=; no amino-acid change (glycine 386 retained).
Molecular consequence: synonymous variant.
Genome position (GRCh38, 1-based): chr17:18,119,958, C>T. VCF-style: chr17-18119958-C-T. GRCh37 (hg19) VCF-style: chr17-18023272-C-T.
Identifiers: ClinVar variation 226776 (VCV000226776.20), dbSNP rs186829587, ClinGen allele CA8423037.